The following is an entry in ClinVar:

ClinVar aggregate classification (germline): Uncertain significance. Review status: criteria provided, multiple submitters, no conflicts (2 of 4 stars). 2 submissions from 2 submitters: Uncertain significance (2). Last evaluated 2024-02-17.

Conditions:
Primary ciliary dyskinesia 23 (CILD23). Also called: CILIARY DYSKINESIA, PRIMARY, 23, WITH OR WITHOUT SITUS INVERSUS. Identifiers: Orphanet 244, MedGen C3809548, MONDO:0014193, OMIM 615451.
Primary ciliary dyskinesia. Also called: Ciliary dyskinesia. Identifiers: Orphanet 244, MedGen C0008780, MONDO:0016575, HP:0012265.

Allele frequency attached by ClinVar (database versions not stated): TOPMed 0.00002; ExAC 0.00003; gnomAD exomes 0.00003 and 0.00004; gnomAD 0.00001 and 0.00002.
gnomAD v4.1: 56 of 1,613,302 alleles (0.0035%); highest among the groups gnomAD compares: Non-Finnish European, 0.0043%; no homozygotes.

Submissions (2):

Labcorp Genetics (formerly Invitae), Labcorp
Classification: Uncertain significance for Primary ciliary dyskinesia 23. Last evaluated: 2024-02-17. Review status: criteria provided, single submitter. Criteria: Invitae Variant Classification Sherloc (09022015). Collection method: clinical testing. Allele origin: germline.
Comment: This sequence change replaces arginine, which is basic and polar, with tryptophan, which is neutral and slightly polar, at codon 570 of the ARMC4 protein (p.Arg570Trp). This variant is present in population databases (rs751718086, gnomAD 0.005%). This variant has not been reported in the literature in individuals affected with ARMC4-related conditions. ClinVar contains an entry for this variant (Variation ID: 651182). Algorithms developed to predict the effect of missense changes on protein structure and function output the following: SIFT: "Not Available"; PolyPhen-2: "Benign"; Align-GVGD: "Not Available". The tryptophan amino acid residue is found in multiple mammalian species, which suggests that this missense change does not adversely affect protein function. In summary, the available evidence is currently insufficient to determine the role of this variant in disease. Therefore, it has been classified as a Variant of Uncertain Significance.

Ambry Genetics
Classification: Uncertain significance for Primary ciliary dyskinesia. Last evaluated: 2023-05-17. Review status: criteria provided, single submitter. Criteria: Ambry Variant Classification Scheme 2023. Collection method: clinical testing. Allele origin: germline.

NM_018076.5(ODAD2):c.1708C>T (p.Arg570Trp)

Gene: ODAD2 (outer dynein arm docking complex subunit 2; minus strand). Cytogenetic location: 10p12.1.
Variant type: single nucleotide variant.
Coding change: c.1708C>T on transcript NM_018076.5 (MANE Select); coding-DNA position 1708, C replaced by T.
Protein change: p.Arg570Trp; replaces arginine 570 with tryptophan.
Molecular consequence: missense variant.
Genome position (GRCh38, 1-based): chr10:27,944,257, G>A on the plus strand (C>T on the coding strand, the complement: ODAD2 is on the minus strand). VCF-style: chr10-27944257-G-A. GRCh37 (hg19) VCF-style: chr10-28233186-G-A.
Other names: c.1708C>T, p.Arg570Trp (NM_001290020.2); c.283C>T, p.Arg95Trp (NM_001290021.2); c.784C>T, p.Arg262Trp (NM_001312689.2); short protein forms R95W, R262W, R570W.
Identifiers: ClinVar variation 651182 (VCV000651182.11), dbSNP rs751718086, ClinGen allele CA5453450.